The following is an entry in ClinVar:

ClinVar aggregate classification (germline): Pathogenic (1 of 4 stars; one submission).

Conditions:
Neurofibromatosis, type 1 (NF1). Also called: NEUROFIBROMATOSIS, TYPE I, SOMATIC; VON RECKLINGHAUSEN DISEASE; Peripheral type neurofibromatosis; Neurofibromatosis, type I. Identifiers: Orphanet 636, MedGen C0027831, MONDO:0018975, OMIM 162200. Disease mechanism: loss of function.

Submission:

Labcorp Genetics (formerly Invitae), Labcorp
Classification: Pathogenic for Neurofibromatosis, type 1. Last evaluated: 2025-07-03. Review status: criteria provided, single submitter. Criteria: Invitae Variant Classification Sherloc (09022015). Collection method: clinical testing. Allele origin: germline.
Comment: This sequence change creates a premature translational stop signal (p.Asn355Glufs*5) in the NF1 gene. It is expected to result in an absent or disrupted protein product. Loss-of-function variants in NF1 are known to be pathogenic (PMID: 10712197, 23913538). This variant is not present in population databases (gnomAD no frequency). This variant has not been reported in the literature in individuals affected with NF1-related conditions. For these reasons, this variant has been classified as Pathogenic.

Literature cited by the submitters: PubMed 10712197; PubMed 23913538.

NM_001042492.3(NF1):c.1061dup (p.Asn355fs)

Gene: NF1 (neurofibromin 1; plus strand). Cytogenetic location: 17q11.2.
Variant type: Duplication.
Coding change: c.1061dup on transcript NM_001042492.3 (MANE Select); coding-DNA position 1061, one base duplicated (A; older notation c.1061dupA).
Protein change: p.Asn355fs; shifts the reading frame from asparagine 355.
Molecular consequence: frameshift variant.
Genome position (GRCh38, 1-based): chr17:31,200,594, A duplicated; the last of 2 consecutive A bases (chr17:31,200,593-31,200,594); duplicating either gives the same sequence. VCF-style (leftmost placement, unchanged base first): chr17-31200592-T-TA. GRCh37 (hg19) VCF-style: chr17-29527610-T-TA.
Other names: c.1061dup, p.Asn355fs (NM_000267.4, NM_001128147.3); short protein forms N355fs.
Identifiers: ClinVar variation 4722607 (VCV004722607.1).